The following is an entry in ClinVar:

ClinVar aggregate classification (germline): Uncertain significance (1 of 4 stars; one submission).

Conditions:
Hereditary sensory and autonomic neuropathy type 7. Also called: Neuropathy, hereditary sensory and autonomic, type VII; HSAN VII. Identifiers: Orphanet 391397, MedGen C3809882, MONDO:0014244, OMIM 615548.
Familial episodic pain syndrome with predominantly lower limb involvement. Also called: Episodic pain syndrome, familial, 3. Identifiers: Orphanet 391384, Orphanet 391392, MedGen C3809899, MONDO:0014247, OMIM 615552.

Allele frequency attached by ClinVar (database versions not stated): TOPMed below 0.00001; gnomAD 0.00001; gnomAD exomes 0.00001.
gnomAD v4.1: 8 of 1,613,992 alleles (0.0005%); highest among the groups gnomAD compares: Non-Finnish European, 0.00059%; no homozygotes.

Submission:

Labcorp Genetics (formerly Invitae), Labcorp
Classification: Uncertain significance for Familial episodic pain syndrome with predominantly lower limb involvement; Hereditary sensory and autonomic neuropathy type 7. Last evaluated: 2023-07-07. Review status: criteria provided, single submitter. Criteria: Invitae Variant Classification Sherloc (09022015). Collection method: clinical testing. Allele origin: germline.
Comment: In summary, the available evidence is currently insufficient to determine the role of this variant in disease. Therefore, it has been classified as a Variant of Uncertain Significance. Advanced modeling of protein sequence and biophysical properties (such as structural, functional, and spatial information, amino acid conservation, physicochemical variation, residue mobility, and thermodynamic stability) performed at Invitae indicates that this missense variant is not expected to disrupt SCN11A protein function. ClinVar contains an entry for this variant (Variation ID: 2044969). This variant has not been reported in the literature in individuals affected with SCN11A-related conditions. This variant is not present in population databases (gnomAD no frequency). This sequence change replaces alanine, which is neutral and non-polar, with serine, which is neutral and polar, at codon 1738 of the SCN11A protein (p.Ala1738Ser).

NM_001349253.2(SCN11A):c.5212G>T (p.Ala1738Ser)

Gene: SCN11A (sodium voltage-gated channel alpha subunit 11; minus strand). Cytogenetic location: 3p22.2.
Variant type: single nucleotide variant.
Coding change: c.5212G>T on transcript NM_001349253.2 (MANE Select); coding-DNA position 5212, G replaced by T.
Protein change: p.Ala1738Ser; replaces alanine 1738 with serine.
Molecular consequence: missense variant.
Genome position (GRCh38, 1-based): chr3:38,846,858, C>A on the plus strand (G>T on the coding strand, the complement: SCN11A is on the minus strand). VCF-style: chr3-38846858-C-A. GRCh37 (hg19) VCF-style: chr3-38888349-C-A.
Other names: c.5212G>T, p.Ala1738Ser (NM_014139.3); short protein forms A1738S.
Identifiers: ClinVar variation 2044969 (VCV002044969.4), dbSNP rs768077296, ClinGen allele CA72959290.